The following is an entry in ClinVar:

NM_000702.4(ATP1A2):c.674G>A (p.Arg225His)

Genes: ATP1A2 (ATPase Na+/K+ transporting subunit alpha 2; plus strand), LOC126805890 (CDK7 strongly-dependent group 2 enhancer GRCh37_chr1:160093987-160095186; plus strand). Cytogenetic location: 1q23.2.
Variant type: single nucleotide variant.
Coding change: c.674G>A on transcript NM_000702.4 (MANE Select); coding-DNA position 674, G replaced by A.
Protein change: p.Arg225His; replaces arginine 225 with histidine.
Molecular consequence: missense variant.
Genome position (GRCh38, 1-based): chr1:160,125,179, G>A. VCF-style: chr1-160125179-G-A. GRCh37 (hg19) VCF-style: chr1-160094969-G-A.
Other names: short protein forms R225H.
Identifiers: ClinVar variation 655258 (VCV000655258.16), dbSNP rs778741638, ClinGen allele CA1194244.

ClinVar aggregate classification (germline): Uncertain significance. Review status: criteria provided, multiple submitters, no conflicts (2 of 4 stars). 5 submissions from 5 submitters: Uncertain significance (5). Last evaluated 2026-03-17.

Conditions:
Familial hemiplegic migraine. Identifiers: MedGen C0338484, MONDO:0000700.

Allele frequency attached by ClinVar (database versions not stated): gnomAD exomes below 0.00001; ExAC 0.00001.
gnomAD v4.1: 1 of 1,614,062 alleles (0.000062%); highest among the groups gnomAD compares: African/African-American, 0.0013%; no homozygotes.

Submissions (5):

Women's Health and Genetics/Laboratory Corporation of America, LabCorp
Classification: Uncertain significance. Last evaluated: 2026-03-17. Review status: criteria provided, single submitter. Criteria: LabCorp Variant Classification Summary - May 2015. Collection method: clinical testing. Allele origin: germline.
Comment: Variant summary: ATP1A2 c.674G>A (p.Arg225His) results in a non-conservative amino acid change in the encoded protein sequence. Algorithms developed to predict the effect of missense changes on protein structure and function all suggest that this variant is likely to be disruptive. The variant allele was found at a frequency of 4e-06 in 251286 control chromosomes. The available data on variant occurrences in the general population are insufficient to allow any conclusion about variant significance. To our knowledge, no occurrence of c.674G>A in individuals affected with ATP1A2-related conditions and no experimental evidence demonstrating its impact on protein function have been reported. ClinVar contains an entry for this variant (Variation ID: 655258). Based on the evidence outlined above, the variant was classified as uncertain significance.

GeneDx
Classification: Uncertain significance. Last evaluated: 2025-06-06. Review status: criteria provided, single submitter. Criteria: GeneDx Variant Classification Process June 2021. Collection method: clinical testing. Allele origin: germline. Affected: yes.
Comment: Not observed at significant frequency in large population cohorts (gnomAD); In silico analysis supports that this missense variant has a deleterious effect on protein structure/function; Has not been previously published as pathogenic or benign to our knowledge

Blueprint Genetics
Classification: Uncertain significance. Last evaluated: 2024-06-04. Review status: criteria provided, single submitter. Criteria: ACMG Guidelines, 2015. Collection method: clinical testing. Allele origin: germline.

Athena Diagnostics
Classification: Uncertain significance. Last evaluated: 2024-01-26. Review status: criteria provided, single submitter. Criteria: Athena Diagnostics Criteria. Collection method: clinical testing. Allele origin: unknown.
Comment: Available data are insufficient to determine the clinical significance of the variant at this time. The frequency of this variant in the general population is uninformative in assessment of its pathogenicity. Computational tools predict that this variant is damaging.

Labcorp Genetics (formerly Invitae), Labcorp
Classification: Uncertain significance for Familial hemiplegic migraine. Last evaluated: 2019-07-18. Review status: criteria provided, single submitter. Criteria: Invitae Variant Classification Sherloc (09022015). Collection method: clinical testing. Allele origin: germline.
Comment: In summary, the available evidence is currently insufficient to determine the role of this variant in disease. Therefore, it has been classified as a Variant of Uncertain Significance. Algorithms developed to predict the effect of missense changes on protein structure and function (SIFT, PolyPhen-2, Align-GVGD) all suggest that this variant is likely to be disruptive, but these predictions have not been confirmed by published functional studies and their clinical significance is uncertain. This variant has not been reported in the literature in individuals with ATP1A2-related disease. This variant is present in population databases (rs778741638, ExAC 0.01%). This sequence change replaces arginine with histidine at codon 225 of the ATP1A2 protein (p.Arg225His). The arginine residue is highly conserved and there is a small physicochemical difference between arginine and histidine.